The following is an entry in ClinVar:

ClinVar aggregate classification (germline): Uncertain significance (1 of 4 stars; one submission).

Conditions:
Developmental and epileptic encephalopathy, 54. Also called: Epileptic encephalopathy, early infantile, 54; HNRNPU-Related Neurodevelopmental Disorder. Identifiers: MedGen C4479319, MONDO:0033363, OMIM 617391.

Allele frequency attached by ClinVar (database versions not stated): gnomAD exomes 0.00001.
gnomAD v4.1: 4 of 1,613,762 alleles (0.00025%); highest among the groups gnomAD compares: East Asian, 0.0089%; no homozygotes.

Submission:

Labcorp Genetics (formerly Invitae), Labcorp
Classification: Uncertain significance for Developmental and epileptic encephalopathy, 54. Last evaluated: 2019-09-15. Review status: criteria provided, single submitter. Criteria: Invitae Variant Classification Sherloc (09022015). Collection method: clinical testing. Allele origin: germline.
Comment: This sequence change replaces alanine with valine at codon 723 of the HNRNPU protein (p.Ala723Val). The alanine residue is moderately conserved and there is a small physicochemical difference between alanine and valine. This variant is not present in population databases (ExAC no frequency). This variant has not been reported in the literature in individuals with HNRNPU-related conditions. In summary, the available evidence is currently insufficient to determine the role of this variant in disease. Therefore, it has been classified as a Variant of Uncertain Significance.

NM_031844.3(HNRNPU):c.2168C>T (p.Ala723Val)

Gene: HNRNPU (heterogeneous nuclear ribonucleoprotein U; minus strand). Cytogenetic location: 1q44.
Variant type: single nucleotide variant.
Coding change: c.2168C>T on transcript NM_031844.3 (MANE Select); coding-DNA position 2168, C replaced by T.
Protein change: p.Ala723Val; replaces alanine 723 with valine.
Molecular consequence: missense variant.
Genome position (GRCh38, 1-based): chr1:244,855,608, G>A on the plus strand (C>T on the coding strand, the complement: HNRNPU is on the minus strand). VCF-style: chr1-244855608-G-A. GRCh37 (hg19) VCF-style: chr1-245018910-G-A.
Other names: c.2111C>T, p.Ala704Val (NM_004501.3); short protein forms A704V, A723V.
Identifiers: ClinVar variation 943686 (VCV000943686.10), dbSNP rs1680658254, ClinGen allele CA345487323.